The following is an entry in ClinVar:

ClinVar aggregate classification (germline): Uncertain significance. Review status: criteria provided, multiple submitters, no conflicts (2 of 4 stars). 2 submissions from 2 submitters: Uncertain significance (2). Last evaluated 2025-09-10.

Conditions:
Interstitial lung disease 2 (ILD2). Also called: Familial idiopathic pulmonary fibrosis; FIBROCYSTIC PULMONARY DYSPLASIA; FIBROSING ALVEOLITIS, CRYPTOGENIC. Identifiers: Orphanet 2032, Orphanet 79126, MedGen C5561926, MONDO:0800497, OMIM 178500, MONDO:0800029.
Dyskeratosis congenita, autosomal dominant 2. Identifiers: MedGen C3151443, MONDO:0013521, OMIM 613989.
Dyskeratosis congenita. Identifiers: Orphanet 1775, MedGen C0265965, MONDO:0015780.

Allele frequency attached by ClinVar (database versions not stated): ExAC 0.00002.
gnomAD v4.1: 9 of 1,590,266 alleles (0.00057%); highest among the groups gnomAD compares: South Asian, 0.01%; 1 homozygote.

Submissions (2):

Ambry Genetics
Classification: Uncertain significance for Dyskeratosis congenita. Last evaluated: 2025-09-10. Review status: criteria provided, single submitter. Criteria: Ambry Variant Classification Scheme 2023. Collection method: clinical testing. Allele origin: germline.
Comment: The p.P213L variant (also known as c.638C>T), located in coding exon 2 of the TERT gene, results from a C to T substitution at nucleotide position 638. The proline at codon 213 is replaced by leucine, an amino acid with similar properties. This amino acid position is conserved. In addition, this alteration is predicted to be tolerated by in silico analysis. Based on the available evidence, the clinical significance of this variant remains unclear.

Labcorp Genetics (formerly Invitae), Labcorp
Classification: Uncertain significance for Dyskeratosis congenita, autosomal dominant, 2; Idiopathic fibrosing alveolitis, chronic form. Last evaluated: 2019-10-30. Review status: criteria provided, single submitter. Criteria: Invitae Variant Classification Sherloc (09022015). Collection method: clinical testing. Allele origin: germline.
Comment: This sequence change replaces proline with leucine at codon 213 of the TERT protein (p.Pro213Leu). The proline residue is weakly conserved and there is a moderate physicochemical difference between proline and leucine. This variant is present in population databases (rs773202955, ExAC 0.009%). This variant has not been reported in the literature in individuals with TERT-related conditions. Algorithms developed to predict the effect of missense changes on protein structure and function output the following: SIFT: "Tolerated"; PolyPhen-2: "Benign"; Align-GVGD: "Class C0". The leucine amino acid residue is found in multiple mammalian species, suggesting that this missense change does not adversely affect protein function. These predictions have not been confirmed by published functional studies and their clinical significance is uncertain. In summary, the available evidence is currently insufficient to determine the role of this variant in disease. Therefore, it has been classified as a Variant of Uncertain Significance.

NM_198253.3(TERT):c.638C>T (p.Pro213Leu)

Gene: TERT (telomerase reverse transcriptase; minus strand). Cytogenetic location: 5p15.33.
Variant type: single nucleotide variant.
Coding change: c.638C>T on transcript NM_198253.3 (MANE Select); coding-DNA position 638, C replaced by T.
Protein change: p.Pro213Leu; replaces proline 213 with leucine.
Molecular consequence: missense variant. On other transcripts: non-coding transcript variant (2).
Genome position (GRCh38, 1-based): chr5:1,294,248, G>A on the plus strand (C>T on the coding strand, the complement: TERT is on the minus strand). VCF-style: chr5-1294248-G-A. GRCh37 (hg19) VCF-style: chr5-1294363-G-A.
Other names: c.638C>T, p.Pro213Leu (NM_001193376.3); short protein forms P213L.
Identifiers: ClinVar variation 965951 (VCV000965951.2), dbSNP rs773202955, ClinGen allele CA3184941.